The following is an entry in ClinVar:

ClinVar aggregate classification (germline): Likely benign (0 of 4 stars; one submission).

Conditions:
B4GALNT1-related disorder. Also called: B4GALNT1-related condition.

Submission:

PreventionGenetics, part of Exact Sciences
Classification: Likely benign for B4GALNT1-related condition. Last evaluated: 2019-04-08. Review status: no assertion criteria provided. Collection method: clinical testing. Allele origin: germline.
Comment: This variant is classified as likely benign based on ACMG/AMP sequence variant interpretation guidelines (Richards et al. 2015 PMID: 25741868, with internal and published modifications).

NM_001478.5(B4GALNT1):c.1057C>T (p.Leu353=)

Gene: B4GALNT1 (beta-1,4-N-acetyl-galactosaminyltransferase 1; minus strand). Cytogenetic location: 12q13.3.
Variant type: single nucleotide variant.
Coding change: c.1057C>T on transcript NM_001478.5 (MANE Select); coding-DNA position 1057, C replaced by T.
Protein change: p.Leu353=; no amino-acid change (leucine 353 retained).
Molecular consequence: synonymous variant.
Genome position (GRCh38, 1-based): chr12:57,628,208, G>A on the plus strand (C>T on the coding strand, the complement: B4GALNT1 is on the minus strand). VCF-style: chr12-57628208-G-A. GRCh37 (hg19) VCF-style: chr12-58021991-G-A.
Other names: c.892C>T, p.Leu298= (NM_001276468.2, NM_001413978.1); c.1192C>T, p.Leu398= (NM_001413967.1, NM_001413968.1, NM_001413969.1); c.1057C>T, p.Leu353= (NM_001413970.1, NM_001413971.1, NM_001413972.1 and 2 more transcripts); c.958C>T, p.Leu320= (NM_001413977.1); c.205C>T, p.Leu69= (NM_001413981.1); c.70C>T, p.Leu24= (NM_001413982.1, NM_001413983.1, NM_001413984.1).
Identifiers: ClinVar variation 3047130 (VCV003047130.2), dbSNP rs2540652971, ClinGen allele CA480264417.